The following is an entry in ClinVar:

NM_000178.4(GSS):c.3G>A (p.Met1Ile)

Gene: GSS (glutathione synthetase; minus strand). Cytogenetic location: 20q11.22.
Variant type: single nucleotide variant.
Coding change: c.3G>A on transcript NM_000178.4 (MANE Select); coding-DNA position 3, G replaced by A.
Protein change: p.Met1Ile; changes the start codon (methionine 1).
Molecular consequence: missense variant, initiator codon variant.
Genome position (GRCh38, 1-based): chr20:34,951,850, C>T on the plus strand (G>A on the coding strand, the complement: GSS is on the minus strand). VCF-style: chr20-34951850-C-T. GRCh37 (hg19) VCF-style: chr20-33539653-C-T.
Other names: c.3G>A, p.Met1Ile (LRG_1168t1, NM_001322494.1, NM_001322495.1); short protein forms M1I.
Identifiers: ClinVar variation 430452 (VCV000430452.3), dbSNP rs1131691975, ClinGen allele CA408706989.

ClinVar aggregate classification (germline): Likely pathogenic (1 of 4 stars; one submission).

Submission:

GeneDx
Classification: Likely pathogenic. Last evaluated: 2016-08-25. Review status: criteria provided, single submitter. Criteria: GeneDx Variant Classification (06012015). Collection method: clinical testing. Allele origin: germline. Affected: yes.
Comment: The c.3 G>A variant has not been published as a pathogenic variant, nor has it been reported as a benign variant to our knowledge. The c.3 G>A variant alters the initiator Methionine codon, and the resultant protein would be described as p.Met1?" using a question mark to signify that it is not known if the loss of Met1 means that all protein translation is completely prevented or if an abnormal protein is produced using an alternate Met. Therefore, this variant is likely pathogenic; however, the possibility that it is benign cannot be excluded."